The following is an entry in ClinVar:

NM_001130009.3(GEN1):c.308A>G (p.Gln103Arg)

Gene: GEN1 (GEN1 structure-specific endonuclease; plus strand). Cytogenetic location: 2p24.2.
Variant type: single nucleotide variant.
Coding change: c.308A>G on transcript NM_001130009.3 (MANE Select); coding-DNA position 308, A replaced by G.
Protein change: p.Gln103Arg; replaces glutamine 103 with arginine.
Molecular consequence: missense variant.
Genome position (GRCh38, 1-based): chr2:17,761,542, A>G. VCF-style: chr2-17761542-A-G. GRCh37 (hg19) VCF-style: chr2-17942809-A-G.
Other names: c.308A>G, p.Gln103Arg (NM_182625.5); c.308A>G (NM_001130009.1); short protein forms Q103R.
Identifiers: ClinVar variation 1432701 (VCV001432701.9), dbSNP rs762245855, ClinGen allele CA1540376.
Genomic context (GRCh38, chr2:17,761,542, plus strand): 5'-CTGATGTCATAAGCAAGAGGAATCAGTCTCGGTATGGGTCTTCTGGAAAATCGTGGTCTC[A>G]GAAAACAGGGAGATCACATTTTAAATCAGTCTTAAGAGAGGTGAGCATTCAGATTTGATT-3'
Protein context (NP_001123481.3, residues 93-113): RYGSSGKSWS[Gln103Arg]KTGRSHFKSV

ClinVar aggregate classification (germline): Uncertain significance. Review status: criteria provided, multiple submitters, no conflicts (2 of 4 stars). 2 submissions from 2 submitters: Uncertain significance (2). Last evaluated 2025-06-06.

Allele frequency attached by ClinVar (database versions not stated): gnomAD exomes below 0.00001; ExAC 0.00001; gnomAD 0.00001.
gnomAD v4.1: 4 of 1,612,060 alleles (0.00025%); highest among the groups gnomAD compares: Middle Eastern, 0.016%; no homozygotes.

Submissions (2):

Ambry Genetics
Classification: Uncertain significance. Last evaluated: 2025-06-06. Review status: criteria provided, single submitter. Criteria: Ambry Variant Classification Scheme 2023. Collection method: clinical testing. Allele origin: germline.
Comment: The p.Q103R variant (also known as c.308A>G), located in coding exon 2 of the GEN1 gene, results from an A to G substitution at nucleotide position 308. The glutamine at codon 103 is replaced by arginine, an amino acid with highly similar properties. This amino acid position is conserved. In addition, this alteration is predicted to be tolerated by in silico analysis. Based on the available evidence, the clinical significance of this variant remains unclear.

Labcorp Genetics (formerly Invitae), Labcorp
Classification: Uncertain significance. Last evaluated: 2024-07-30. Review status: criteria provided, single submitter. Criteria: Invitae Variant Classification Sherloc (09022015). Collection method: clinical testing. Allele origin: germline.
Comment: This sequence change replaces glutamine, which is neutral and polar, with arginine, which is basic and polar, at codon 103 of the GEN1 protein (p.Gln103Arg). The frequency data for this variant in the population databases is considered unreliable, as metrics indicate poor data quality at this position in the gnomAD database. This variant has not been reported in the literature in individuals affected with GEN1-related conditions. ClinVar contains an entry for this variant (Variation ID: 1432701). An algorithm developed to predict the effect of missense changes on protein structure and function (PolyPhen-2) suggests that this variant is likely to be tolerated. In summary, the available evidence is currently insufficient to determine the role of this variant in disease. Therefore, it has been classified as a Variant of Uncertain Significance.